The following is an entry in ClinVar:

NM_000059.4(BRCA2):c.2027G>C (p.Cys676Ser)

Gene: BRCA2 (BRCA2 DNA repair associated; plus strand). Cytogenetic location: 13q13.1.
Variant type: single nucleotide variant.
Coding change: c.2027G>C on transcript NM_000059.4 (MANE Select); coding-DNA position 2027, G replaced by C.
Protein change: p.Cys676Ser; replaces cysteine 676 with serine.
Molecular consequence: missense variant.
Genome position (GRCh38, 1-based): chr13:32,336,382, G>C. VCF-style: chr13-32336382-G-C. GRCh37 (hg19) VCF-style: chr13-32910519-G-C.
Other names: short protein forms C676S.
Identifiers: ClinVar variation 409480 (VCV000409480.14), dbSNP rs1060502422, ClinGen allele CA16614118.

ClinVar aggregate classification (germline): Conflicting classifications of pathogenicity. Review status: criteria provided, conflicting classifications (1 of 4 stars). 2 submissions from 2 submitters: Uncertain significance (1); Likely benign (1). Last evaluated 2023-03-23.

Conditions:
Hereditary cancer-predisposing syndrome. Also called: Tumor predisposition; Hereditary Cancer Syndrome; Hereditary neoplastic syndrome; Neoplastic Syndromes, Hereditary. Identifiers: Orphanet 140162, MedGen C0027672, MeSH D009386, MONDO:0015356.
Hereditary breast ovarian cancer syndrome. Also called: Hereditary breast and ovarian cancer; Hereditary breast and/or ovarian cancer syndrome; BRCA1- and BRCA2-Associated Hereditary Breast and Ovarian Cancer; Hereditary breast and ovarian cancer syndrome; Hereditary breast and ovarian cancer syndrome (HBOC); Breast and ovarian cancer. Identifiers: Orphanet 145, MedGen C0677776, MeSH D061325, MONDO:0003582. Disease mechanism: loss of function.

Submissions (2):

University of Washington Department of Laboratory Medicine, University of Washington
Classification: Likely benign for Hereditary cancer-predisposing syndrome. Last evaluated: 2023-03-23. Review status: criteria provided, single submitter. Criteria: Dines et al. (Genet Med. 2020). Collection method: curation. Allele origin: germline.
Comment: Missense variant in a coldspot region where missense variants are very unlikely to be pathogenic (PMID:31911673).

BRCA2 exon 11 coldspot. Reclassification based on statistical prior probability.

Labcorp Genetics (formerly Invitae), Labcorp
Classification: Uncertain significance for Hereditary breast ovarian cancer syndrome. Last evaluated: 2022-07-26. Review status: criteria provided, single submitter. Criteria: Invitae Variant Classification Sherloc (09022015). Collection method: clinical testing. Allele origin: germline.
Comment: In summary, the available evidence is currently insufficient to determine the role of this variant in disease. Therefore, it has been classified as a Variant of Uncertain Significance. Advanced modeling of protein sequence and biophysical properties (such as structural, functional, and spatial information, amino acid conservation, physicochemical variation, residue mobility, and thermodynamic stability) performed at Invitae indicates that this missense variant is not expected to disrupt BRCA2 protein function. ClinVar contains an entry for this variant (Variation ID: 409480). This variant has not been reported in the literature in individuals affected with BRCA2-related conditions. This variant is not present in population databases (gnomAD no frequency). This sequence change replaces cysteine, which is neutral and slightly polar, with serine, which is neutral and polar, at codon 676 of the BRCA2 protein (p.Cys676Ser).